The following is an entry in ClinVar:

ClinVar aggregate classification (germline): Uncertain significance. Review status: criteria provided, multiple submitters, no conflicts (2 of 4 stars). 3 submissions from 3 submitters: Uncertain significance (3). Last evaluated 2025-09-02.

Conditions:
Jeune thoracic dystrophy. Also called: Infantile thoracic dystrophy; Thoracic pelvic phalangeal dystrophy; Jeune's syndrome; Chondroectodermal dysplasia-like syndrome; Jeune syndrome; Short-rib thoracic dysplasia. Identifiers: Orphanet 474, MedGen C0265275, MONDO:0018770.
Inborn genetic diseases. Identifiers: MedGen C0950123, MeSH D030342.

Allele frequency attached by ClinVar (database versions not stated): ExAC 0.00002; gnomAD exomes 0.00002 and 0.00003; TOPMed 0.00002; ESP Exome Variant Server 0.00008.
gnomAD v4.1: 42 of 1,609,628 alleles (0.0026%); highest among the groups gnomAD compares: South Asian, 0.018%; no homozygotes.

Submissions (3):

Labcorp Genetics (formerly Invitae), Labcorp
Classification: Uncertain significance for Jeune thoracic dystrophy. Last evaluated: 2025-09-02. Review status: criteria provided, single submitter. Criteria: Invitae Variant Classification Sherloc (09022015). Collection method: clinical testing. Allele origin: germline.
Comment: This sequence change replaces proline, which is neutral and non-polar, with leucine, which is neutral and non-polar, at codon 410 of the IFT80 protein (p.Pro410Leu). This variant is present in population databases (rs148396265, gnomAD 0.01%). This variant has not been reported in the literature in individuals affected with IFT80-related conditions. ClinVar contains an entry for this variant (Variation ID: 1371189). Invitae Evidence Modeling of protein sequence and biophysical properties (such as structural, functional, and spatial information, amino acid conservation, physicochemical variation, residue mobility, and thermodynamic stability) indicates that this missense variant is not expected to disrupt IFT80 protein function with a negative predictive value of 80%. In summary, the available evidence is currently insufficient to determine the role of this variant in disease. Therefore, it has been classified as a Variant of Uncertain Significance.

Ambry Genetics
Classification: Uncertain significance for Inborn genetic diseases. Last evaluated: 2025-06-09. Review status: criteria provided, single submitter. Criteria: Ambry Variant Classification Scheme 2023. Collection method: clinical testing. Allele origin: germline.

Blueprint Genetics
Classification: Uncertain significance. Last evaluated: 2023-09-01. Review status: criteria provided, single submitter. Criteria: ACMG Guidelines, 2015. Collection method: clinical testing. Allele origin: germline.

NM_020800.3(IFT80):c.1229C>T (p.Pro410Leu)

Genes: IFT80 (intraflagellar transport 80; minus strand), TRIM59-IFT80 (TRIM59-IFT80 readthrough (NMD candidate); minus strand). Cytogenetic location: 3q25.33.
Variant type: single nucleotide variant.
Coding change: c.1229C>T on transcript NM_020800.3 (MANE Select); coding-DNA position 1229, C replaced by T.
Protein change: p.Pro410Leu; replaces proline 410 with leucine.
Molecular consequence: missense variant. On other transcripts: non-coding transcript variant (3).
Genome position (GRCh38, 1-based): chr3:160,300,969, G>A on the plus strand (C>T on the coding strand, the complement: IFT80 is on the minus strand). VCF-style: chr3-160300969-G-A. GRCh37 (hg19) VCF-style: chr3-160018757-G-A.
Other names: c.818C>T, p.Pro273Leu (NM_001190241.2, NM_001190242.2); c.1229C>T (NM_020800.2); short protein forms P273L, P410L.
Identifiers: ClinVar variation 1371189 (VCV001371189.6), dbSNP rs148396265, ClinGen allele CA2685218.
Genomic context (GRCh38, chr3:160,300,969, plus strand): 5'-GCTATGGTATCATTACTCAAAGACACAGTCTGTGCATTCAGAATATCTGTTCTCATTCCA[G>A]GAAATTTTGGAGATGAAATAAAGCGCCCTTCATATGAATATAAATAGATACTACTACCAT-3'
Protein context (NP_065851.1, residues 400-420): EGRFISSPKF[Pro410Leu]GMRTDILNAQ